The following is an entry in ClinVar:

ClinVar aggregate classification (germline): Uncertain significance (1 of 4 stars; one submission).

Allele frequency attached by ClinVar (database versions not stated): gnomAD exomes below 0.00001.
gnomAD v4.1: 1 of 1,614,018 alleles (0.000062%); highest among the groups gnomAD compares: Non-Finnish European, 0.000085%; no homozygotes.

Submission:

Labcorp Genetics (formerly Invitae), Labcorp
Classification: Uncertain significance. Last evaluated: 2022-02-03. Review status: criteria provided, single submitter. Criteria: Invitae Variant Classification Sherloc (09022015). Collection method: clinical testing. Allele origin: germline.
Comment: In summary, the available evidence is currently insufficient to determine the role of this variant in disease. Therefore, it has been classified as a Variant of Uncertain Significance. Algorithms developed to predict the effect of missense changes on protein structure and function output the following: SIFT: "Deleterious"; PolyPhen-2: "Benign"; Align-GVGD: "Class C55". The alanine amino acid residue is found in multiple mammalian species, which suggests that this missense change does not adversely affect protein function. This variant has not been reported in the literature in individuals affected with NBAS-related conditions. This variant is not present in population databases (gnomAD no frequency). This sequence change replaces threonine, which is neutral and polar, with alanine, which is neutral and non-polar, at codon 1983 of the NBAS protein (p.Thr1983Ala).

NM_015909.4(NBAS):c.5947A>G (p.Thr1983Ala)

Gene: NBAS (NBAS subunit of NRZ tethering complex; minus strand). Cytogenetic location: 2p24.3.
Variant type: single nucleotide variant.
Coding change: c.5947A>G on transcript NM_015909.4 (MANE Select); coding-DNA position 5947, A replaced by G.
Protein change: p.Thr1983Ala; replaces threonine 1983 with alanine.
Molecular consequence: missense variant. On other transcripts: non-coding transcript variant (1).
Genome position (GRCh38, 1-based): chr2:15,234,744, T>C on the plus strand (A>G on the coding strand, the complement: NBAS is on the minus strand). VCF-style: chr2-15234744-T-C. GRCh37 (hg19) VCF-style: chr2-15374868-T-C.
Other names: short protein forms T1983A.
Identifiers: ClinVar variation 1925685 (VCV001925685.5), dbSNP rs1375929141, ClinGen allele CA345889708.
Genomic context (GRCh38, chr2:15,234,744, plus strand): 5'-CATGAAGTTTCTCTTTTTCTGATCGGGACAGATCATAGAGGTGACTGTATTTTTGCAGTG[T>C]TTCCTGTAAAGACATGGTAATCAGCACTTAAGTATCAAATAGAAATTAAATGTATCTACA-3'
Protein context (NP_056993.2, residues 1973-1993): ILSLKNSEQE[Thr1983Ala]LQKYSHLYDL